The following is an entry in ClinVar:

ClinVar aggregate classification (germline): Uncertain significance (1 of 4 stars; one submission).

gnomAD v4.1: 31 of 1,613,982 alleles (0.0019%); highest among the groups gnomAD compares: Non-Finnish European, 0.0026%; no homozygotes.

Submission:

Labcorp Genetics (formerly Invitae), Labcorp
Classification: Uncertain significance. Last evaluated: 2025-08-04. Review status: criteria provided, single submitter. Criteria: Invitae Variant Classification Sherloc (09022015). Collection method: clinical testing. Allele origin: germline.
Comment: This sequence change replaces threonine, which is neutral and polar, with isoleucine, which is neutral and non-polar, at codon 897 of the PLCB4 protein (p.Thr897Ile). This variant is present in population databases (rs745688625, gnomAD 0.005%). This variant has not been reported in the literature in individuals affected with PLCB4-related conditions. Invitae Evidence Modeling of protein sequence and biophysical properties (such as structural, functional, and spatial information, amino acid conservation, physicochemical variation, residue mobility, and thermodynamic stability) indicates that this missense variant is not expected to disrupt PLCB4 protein function with a negative predictive value of 95%. In summary, the available evidence is currently insufficient to determine the role of this variant in disease. Therefore, it has been classified as a Variant of Uncertain Significance.

NM_001377142.1(PLCB4):c.2726C>T (p.Thr909Ile)

Gene: PLCB4 (phospholipase C beta 4; plus strand). Cytogenetic location: 20p12.2.
Variant type: single nucleotide variant.
Coding change: c.2726C>T on transcript NM_001377142.1 (MANE Select); coding-DNA position 2726, C replaced by T.
Protein change: p.Thr909Ile; replaces threonine 909 with isoleucine.
Molecular consequence: missense variant.
Genome position (GRCh38, 1-based): chr20:9,437,114, C>T. VCF-style: chr20-9437114-C-T. GRCh37 (hg19) VCF-style: chr20-9417761-C-T.
Other names: c.2690C>T, p.Thr897Ile (NM_001377134.2, NM_001377135.1, NM_001377136.1 and 2 more transcripts); c.2726C>T, p.Thr909Ile (NM_001377143.1, NM_001172646.2); short protein forms T897I, T909I.
Identifiers: ClinVar variation 4779408 (VCV004779408.1).